The following is an entry in ClinVar:

ClinVar aggregate classification (germline): Uncertain significance (1 of 4 stars; one submission).

Conditions:
Hyperekplexia 3 (HKPX3). Also called: HYPEREKPLEXIA 3, AUTOSOMAL RECESSIVE; HYPEREKPLEXIA 3, AUTOSOMAL DOMINANT. Identifiers: Orphanet 3197, MedGen C3553288, MONDO:0013827, OMIM 614618.

Submission:

Labcorp Genetics (formerly Invitae), Labcorp
Classification: Uncertain significance for Hyperekplexia 3. Last evaluated: 2021-11-14. Review status: criteria provided, single submitter. Criteria: Invitae Variant Classification Sherloc (09022015). Collection method: clinical testing. Allele origin: germline.
Comment: This variant has not been reported in the literature in individuals affected with SLC6A5-related conditions. In summary, the available evidence is currently insufficient to determine the role of this variant in disease. Therefore, it has been classified as a Variant of Uncertain Significance. Experimental studies and prediction algorithms are not available or were not evaluated, and the functional significance of this variant is currently unknown. This variant is present in population databases (rs756181145, gnomAD 0.007%). This variant, c.543_557del, results in the deletion of 5 amino acid(s) of the SLC6A5 protein (p.Glu181_Gly185del), but otherwise preserves the integrity of the reading frame.

NM_001318369.2(SLC6A5):c.-24+2623_-24+2637del

Gene: SLC6A5 (solute carrier family 6 member 5; plus strand). Cytogenetic location: 11p15.1.
Variant type: Deletion.
Coding change: c.-24+2623_-24+2637del on transcript NM_001318369.2; bases 2623 to 2637 of the intron after 24 bases upstream of the start codon, 15 bases deleted (GGACGAGCAAGGGGA).
Molecular consequence: intron variant.
Genome position (GRCh38, 1-based): chr11:20,604,288-20,604,302, GGACGAGCAAGGGGA deleted; deleting any 15 consecutive bases within chr11:20,604,285-20,604,302 gives the same sequence; the c. name uses the placement nearest the transcript's 3' end. VCF-style (leftmost placement, unchanged base first): chr11-20604284-AGGAGGACGAGCAAGG-A. GRCh37 (hg19) VCF-style: chr11-20625830-AGGAGGACGAGCAAGG-A.
Identifiers: ClinVar variation 1369926 (VCV001369926.6), dbSNP rs756181145, ClinGen allele CA5921125.